The following is an entry in ClinVar:

ClinVar aggregate classification (germline): Uncertain significance (1 of 4 stars; one submission).

Conditions:
Dyskeratosis congenita, autosomal recessive 5 (DKCB5). Identifiers: MedGen C3554656, MONDO:0014076, OMIM 615190.
Pulmonary fibrosis and/or bone marrow failure, Telomere-related, 3. Also called: PULMONARY FIBROSIS AND/OR BONE MARROW FAILURE SYNDROME, TELOMERE-RELATED, 3. Identifiers: Orphanet 2032, MedGen C4225346, MONDO:0014613, OMIM 616373.

gnomAD v4.1: 1 of 1,612,368 alleles (0.000062%); highest among the groups gnomAD compares: Non-Finnish European, 0.000085%; no homozygotes.

Submission:

Labcorp Genetics (formerly Invitae), Labcorp
Classification: Uncertain significance for Dyskeratosis congenita, autosomal recessive 5; Pulmonary fibrosis and/or bone marrow failure, Telomere-related, 3. Last evaluated: 2024-06-08. Review status: criteria provided, single submitter. Criteria: Invitae Variant Classification Sherloc (09022015). Collection method: clinical testing. Allele origin: germline.
Comment: This sequence change replaces proline, which is neutral and non-polar, with arginine, which is basic and polar, at codon 654 of the RTEL1 protein (p.Pro654Arg). This variant is present in population databases (no rsID available, gnomAD 0.0009%). This variant has not been reported in the literature in individuals affected with RTEL1-related conditions. An algorithm developed to predict the effect of missense changes on protein structure and function (PolyPhen-2) suggests that this variant is likely to be disruptive. In summary, the available evidence is currently insufficient to determine the role of this variant in disease. Therefore, it has been classified as a Variant of Uncertain Significance.

NM_001283009.2(RTEL1):c.1961C>G (p.Pro654Arg)

Genes: RTEL1 (regulator of telomere elongation helicase 1; plus strand), RTEL1-TNFRSF6B (RTEL1-TNFRSF6B readthrough (NMD candidate); plus strand). Cytogenetic location: 20q13.33.
Variant type: single nucleotide variant.
Coding change: c.1961C>G on transcript NM_001283009.2 (MANE Select); coding-DNA position 1961, C replaced by G.
Protein change: p.Pro654Arg; replaces proline 654 with arginine.
Molecular consequence: missense variant. On other transcripts: non-coding transcript variant (1).
Genome position (GRCh38, 1-based): chr20:63,689,584, C>G. VCF-style: chr20-63689584-C-G. GRCh37 (hg19) VCF-style: chr20-62320937-C-G.
Other names: c.1292C>G, p.Pro431Arg (NM_001283010.1); c.1961C>G, p.Pro654Arg (NM_016434.4); c.2033C>G, p.Pro678Arg (NM_032957.5); short protein forms P431R, P654R, P678R.
Identifiers: ClinVar variation 3762195 (VCV003762195.2).